The following is an entry in ClinVar:

ClinVar aggregate classification (germline): Conflicting classifications of pathogenicity. Review status: criteria provided, conflicting classifications (1 of 4 stars). 3 submissions from 3 submitters: Uncertain significance (2); Benign (1). Last evaluated 2025-07-09.

Conditions:
Inborn genetic diseases. Identifiers: MedGen C0950123, MeSH D030342.
Bethlem myopathy 1A. Also called: Bethlem myopathy 1; Bethlem Muscular Dystrophy; MYOPATHY, BENIGN CONGENITAL, WITH CONTRACTURES. Identifiers: Orphanet 610, MedGen CN029274, MONDO:0024530, OMIM 158810.

Allele frequency attached by ClinVar (database versions not stated): gnomAD 0.00007; TOPMed 0.00008; ESP Exome Variant Server 0.00015; gnomAD exomes 0.00001; ExAC 0.00002.
gnomAD v4.1: 15 of 1,614,052 alleles (0.00093%); highest among the groups gnomAD compares: African/African-American, 0.017%; no homozygotes.

Submissions (3):

Women's Health and Genetics/Laboratory Corporation of America, LabCorp
Classification: Uncertain significance. Last evaluated: 2025-07-09. Review status: criteria provided, single submitter. Criteria: LabCorp Variant Classification Summary - May 2015. Collection method: clinical testing. Allele origin: germline.
Comment: Variant summary: COL6A3 c.9000A>G (p.Ile3000Met) results in a conservative amino acid change in the encoded protein sequence. Algorithms developed to predict the effect of missense changes on protein structure and function all suggest that this variant is likely to be tolerated. The variant allele was found at a frequency of 1.6e-05 in 251226 control chromosomes. The available data on variant occurrences in the general population are insufficient to allow any conclusion about variant significance. To our knowledge, no occurrence of c.9000A>G in individuals affected with Ullrich congenital muscular dystrophy 1-AR and no experimental evidence demonstrating its impact on protein function have been reported. ClinVar contains an entry for this variant (Variation ID: 2766731). Based on the evidence outlined above, the variant was classified as uncertain significance.

Labcorp Genetics (formerly Invitae), Labcorp
Classification: Benign for Bethlem myopathy 1A. Last evaluated: 2025-01-29. Review status: criteria provided, single submitter. Criteria: Invitae Variant Classification Sherloc (09022015). Collection method: clinical testing. Allele origin: germline.

Ambry Genetics
Classification: Uncertain significance for Inborn genetic diseases. Last evaluated: 2024-08-19. Review status: criteria provided, single submitter. Criteria: Ambry Variant Classification Scheme 2023. Collection method: clinical testing. Allele origin: germline.

NM_004369.4(COL6A3):c.9000A>G (p.Ile3000Met)

Gene: COL6A3 (collagen type VI alpha 3 chain; minus strand). Cytogenetic location: 2q37.3.
Variant type: single nucleotide variant.
Coding change: c.9000A>G on transcript NM_004369.4 (MANE Select); coding-DNA position 9000, A replaced by G.
Protein change: p.Ile3000Met; replaces isoleucine 3000 with methionine.
Molecular consequence: missense variant.
Genome position (GRCh38, 1-based): chr2:237,334,855, T>C on the plus strand (A>G on the coding strand, the complement: COL6A3 is on the minus strand). VCF-style: chr2-237334855-T-C. GRCh37 (hg19) VCF-style: chr2-238243498-T-C.
Other names: c.7179A>G, p.Ile2393Met (NM_057166.5); c.8382A>G, p.Ile2794Met (NM_057167.4); short protein forms I2393M, I2794M, I3000M.
Identifiers: ClinVar variation 2766731 (VCV002766731.5), dbSNP rs376142052, ClinGen allele CA2187385.
Genomic context (GRCh38, chr2:237,334,855, plus strand): 5'-ATAAAAATAAGGACCGGGGGGCTCAGCCCTCTCCCAGTGGAGTTTGGCGCTGTTCTCTGT[T>C]ATCTCAAACACCTGGACTTCACGGGACATCTTAACTGAAAGATAGATCAGAGCGTGAAGA-3'
Protein context (NP_004360.2, residues 2990-3010): KMSREVQVFE[Ile3000Met]TENSAKLHWE